The following is an entry in ClinVar:

NM_004415.4(DSP):c.5513G>T (p.Arg1838Leu)

Gene: DSP (desmoplakin; plus strand). Cytogenetic location: 6p24.3.
Variant type: single nucleotide variant.
Coding change: c.5513G>T on transcript NM_004415.4 (MANE Select); coding-DNA position 5513, G replaced by T.
Protein change: p.Arg1838Leu; replaces arginine 1838 with leucine.
Molecular consequence: missense variant.
Genome position (GRCh38, 1-based): chr6:7,582,775, G>T. VCF-style: chr6-7582775-G-T. GRCh37 (hg19) VCF-style: chr6-7583008-G-T.
Other names: c.5513G>T (LRG_423t1); c.3716G>T, p.Arg1239Leu (NM_001008844.3); c.4184G>T, p.Arg1395Leu (NM_001319034.2); short protein forms R1838L, R1239L, R1395L.
Identifiers: ClinVar variation 629371 (VCV000629371.8), dbSNP rs377715841, ClinGen allele CA362688791.
Genomic context (GRCh38, chr6:7,582,775, plus strand): 5'-AAATCAAAGTCCTGGAGCAAGACAAGGCAAGGCTGCAGAGGCTGGAGGATGAGCTGAATC[G>T]TGCAAAATCAACTCTAGAGGCAGAAACCAGGGTGAAACAGCGCCTGGAGTGTGAGAAACA-3'
Protein context (NP_004406.2, residues 1828-1848): RLQRLEDELN[Arg1838Leu]AKSTLEAETR

ClinVar aggregate classification (germline): Uncertain significance. Review status: criteria provided, multiple submitters, no conflicts (2 of 4 stars). 3 submissions from 3 submitters: Uncertain significance (3). Last evaluated 2024-01-12.

Conditions:
Cardiomyopathy (CMYO). Also called: Cardiomyopathies. Identifiers: Orphanet 167848, MedGen C0878544, MONDO:0004994, HP:0001638. Inheritance: Various modes of inheritance.
Arrhythmogenic cardiomyopathy with wooly hair and keratoderma. Also called: PALMOPLANTAR KERATODERMA WITH LEFT VENTRICULAR CARDIOMYOPATHY AND WOOLLY HAIR; Carvajal syndrome; Dilated cardiomyopathy with woolly hair and keratoderma; Arrhythmogenic cardiomyopathy with woolly hair and keratoderma. Identifiers: Orphanet 65282, MedGen C1854063, MONDO:0011581, OMIM 605676.
Arrhythmogenic right ventricular dysplasia 8 (ARVD8). Also called: ARRHYTHMOGENIC RIGHT VENTRICULAR DYSPLASIA, FAMILIAL, 8; ARRHYTHMOGENIC RIGHT VENTRICULAR CARDIOMYOPATHY 8; Arrhythmogenic Right Ventricular Dysplasia/Cardiomyopathy 8. Identifiers: MedGen C1843896, MONDO:0011831, OMIM 607450.

Submissions (3):

Labcorp Genetics (formerly Invitae), Labcorp
Classification: Uncertain significance for Arrhythmogenic cardiomyopathy with wooly hair and keratoderma; Arrhythmogenic right ventricular dysplasia 8. Last evaluated: 2024-01-12. Review status: criteria provided, single submitter. Criteria: Invitae Variant Classification Sherloc (09022015). Collection method: clinical testing. Allele origin: germline.
Comment: This sequence change replaces arginine, which is basic and polar, with leucine, which is neutral and non-polar, at codon 1838 of the DSP protein (p.Arg1838Leu). This variant is not present in population databases (gnomAD no frequency). This variant has not been reported in the literature in individuals affected with DSP-related conditions. ClinVar contains an entry for this variant (Variation ID: 629371). An algorithm developed to predict the effect of missense changes on protein structure and function (PolyPhen-2) suggests that this variant is likely to be tolerated. In summary, the available evidence is currently insufficient to determine the role of this variant in disease. Therefore, it has been classified as a Variant of Uncertain Significance.

All of Us Research Program, National Institutes of Health
Classification: Uncertain significance for Arrhythmogenic cardiomyopathy with wooly hair and keratoderma. Last evaluated: 2023-03-23. Review status: criteria provided, single submitter. Criteria: ACMG Guidelines, 2015. Collection method: clinical testing. Allele origin: germline. Inheritance: Autosomal dominant inheritance. Observed: 1 variant allele, 1 heterozygote.
Comment: This missense variant replaces arginine with leucine at codon 1838 of the DSP protein. Computational prediction suggests that this variant may not impact protein structure and function (internally defined REVEL score threshold <= 0.5, PMID: 27666373). To our knowledge, functional studies have not been reported for this variant. This variant has not been reported in individuals affected with DSP-related disorders in the literature. This variant has not been identified in the general population by the Genome Aggregation Database (gnomAD). The available evidence is insufficient to determine the role of this variant in disease conclusively. Therefore, this variant is classified as a Variant of Uncertain Significance.

This study involves interpretation of variants in research participants for the purpose of population health screening. Participant phenotype was not available at the time of variant classification. Additional details can be found in publication PMID: 35346344, PMCID: PMC8962531

Color Diagnostics, LLC DBA Color Health
Classification: Uncertain significance for Cardiomyopathy. Last evaluated: 2023-02-28. Review status: criteria provided, single submitter. Criteria: ACMG Guidelines, 2015. Collection method: clinical testing. Allele origin: germline.
Comment: This missense variant replaces arginine with leucine at codon 1838 of the DSP protein. Computational prediction suggests that this variant may not impact protein structure and function (internally defined REVEL score threshold <= 0.5, PMID: 27666373). To our knowledge, functional studies have not been reported for this variant. This variant has not been reported in individuals affected with DSP-related disorders in the literature. This variant has not been identified in the general population by the Genome Aggregation Database (gnomAD). The available evidence is insufficient to determine the role of this variant in disease conclusively. Therefore, this variant is classified as a Variant of Uncertain Significance.